The following is an entry in ClinVar:

ClinVar aggregate classification (germline): Uncertain significance (1 of 4 stars; one submission).

Submission:

Labcorp Genetics (formerly Invitae), Labcorp
Classification: Uncertain significance. Last evaluated: 2024-10-24. Review status: criteria provided, single submitter. Criteria: Invitae Variant Classification Sherloc (09022015). Collection method: clinical testing. Allele origin: germline.
Comment: This sequence change replaces phenylalanine, which is neutral and non-polar, with leucine, which is neutral and non-polar, at codon 155 of the TRMU protein (p.Phe155Leu). This variant is not present in population databases (gnomAD no frequency). This variant has not been reported in the literature in individuals affected with TRMU-related conditions. ClinVar contains an entry for this variant (Variation ID: 2135712). Invitae Evidence Modeling of protein sequence and biophysical properties (such as structural, functional, and spatial information, amino acid conservation, physicochemical variation, residue mobility, and thermodynamic stability) has been performed for this missense variant. However, the output from this modeling did not meet the statistical confidence thresholds required to predict the impact of this variant on TRMU protein function. In summary, the available evidence is currently insufficient to determine the role of this variant in disease. Therefore, it has been classified as a Variant of Uncertain Significance.

NM_018006.5(TRMU):c.463T>C (p.Phe155Leu)

Gene: TRMU (tRNA mitochondrial 2-thiouridylase; plus strand). Cytogenetic location: 22q13.31.
Variant type: single nucleotide variant.
Coding change: c.463T>C on transcript NM_018006.5 (MANE Select); coding-DNA position 463, T replaced by C.
Protein change: p.Phe155Leu; replaces phenylalanine 155 with leucine.
Molecular consequence: missense variant. On other transcripts: synonymous variant (2), non-coding transcript variant (2).
Genome position (GRCh38, 1-based): chr22:46,346,529, T>C. VCF-style: chr22-46346529-T-C. GRCh37 (hg19) VCF-style: chr22-46742426-T-C.
Other names: c.463T>C, p.Phe155Leu (NM_001008568.2, NM_001282785.2); c.*56T>C (NM_001008570.2); c.121T>C, p.Phe41Leu (NM_001282782.2); c.102T>C, p.Gly34= (NM_001282783.2, NM_001282784.2); short protein forms F41L, F155L.
Identifiers: ClinVar variation 2135712 (VCV002135712.4), dbSNP rs2518162735, ClinGen allele CA411944160.